The following is an entry in ClinVar:

NM_001278689.2(EOGT):c.1443C>A (p.His481Gln)

Gene: EOGT (EGF domain specific O-linked N-acetylglucosamine transferase; minus strand). Cytogenetic location: 3p14.1.
Variant type: single nucleotide variant.
Coding change: c.1443C>A on transcript NM_001278689.2 (MANE Select); coding-DNA position 1443, C replaced by A.
Protein change: p.His481Gln; replaces histidine 481 with glutamine.
Molecular consequence: missense variant. On other transcripts: non-coding transcript variant (1).
Genome position (GRCh38, 1-based): chr3:68,977,759, G>T on the plus strand (C>A on the coding strand, the complement: EOGT is on the minus strand). VCF-style: chr3-68977759-G-T. GRCh37 (hg19) VCF-style: chr3-69026910-G-T.
Other names: c.1191C>A, p.His397Gln (NM_173654.3); short protein forms H397Q, H481Q.
Identifiers: ClinVar variation 2062145 (VCV002062145.4), dbSNP rs2471373594, ClinGen allele CA353465314.

ClinVar aggregate classification (germline): Uncertain significance (1 of 4 stars; one submission).

Conditions:
Adams-Oliver syndrome 4 (AOS4). Identifiers: Orphanet 974, MedGen C3809092, MONDO:0014124, OMIM 615297.

Submission:

Labcorp Genetics (formerly Invitae), Labcorp
Classification: Uncertain significance for Adams-Oliver syndrome 4. Last evaluated: 2022-01-28. Review status: criteria provided, single submitter. Criteria: Invitae Variant Classification Sherloc (09022015). Collection method: clinical testing. Allele origin: germline.
Comment: This sequence change replaces histidine, which is basic and polar, with glutamine, which is neutral and polar, at codon 397 of the EOGT protein (p.His397Gln). In summary, the available evidence is currently insufficient to determine the role of this variant in disease. Therefore, it has been classified as a Variant of Uncertain Significance. Algorithms developed to predict the effect of missense changes on protein structure and function are either unavailable or do not agree on the potential impact of this missense change (SIFT: "Deleterious"; PolyPhen-2: "Possibly Damaging"; Align-GVGD: "Class C0"). This variant has not been reported in the literature in individuals affected with EOGT-related conditions. This variant is not present in population databases (gnomAD no frequency).